The following is an entry in ClinVar:

ClinVar aggregate classification (germline): Benign/Likely benign. Review status: criteria provided, multiple submitters, no conflicts (2 of 4 stars). 2 submissions from 2 submitters: Benign (1); Likely benign (1). Last evaluated 2025-03-11.

Conditions:
FMN1-related disorder. Also called: FMN1-related condition.

Allele frequency attached by ClinVar (database versions not stated): gnomAD 0.00056; TOPMed 0.00057; ExAC 0.00146; 1000 Genomes Project 0.00379; 1000 Genomes Project 30x 0.00406.
gnomAD v4.1: 497 of 1,559,424 alleles (0.032%); highest among the groups gnomAD compares: East Asian, 1%; 5 homozygotes.

Submissions (2):

PreventionGenetics, part of Exact Sciences
Classification: Likely benign for FMN1-related condition. Last evaluated: 2025-03-11. Review status: criteria provided, single submitter. Criteria: ACMG Guidelines, 2015. Collection method: clinical testing. Allele origin: germline.
Comment: This variant is classified as likely benign based on ACMG/AMP sequence variant interpretation guidelines (Richards et al. 2015 PMID: 25741868, with internal and published modifications).

Labcorp Genetics (formerly Invitae), Labcorp
Classification: Benign. Last evaluated: 2023-11-27. Review status: criteria provided, single submitter. Criteria: Invitae Variant Classification Sherloc (09022015). Collection method: clinical testing. Allele origin: germline.

NM_001277313.2(FMN1):c.3931A>G (p.Lys1311Glu)

Gene: FMN1 (formin 1; minus strand). Cytogenetic location: 15q13.3.
Variant type: single nucleotide variant.
Coding change: c.3931A>G on transcript NM_001277313.2 (MANE Select); coding-DNA position 3931, A replaced by G.
Protein change: p.Lys1311Glu; replaces lysine 1311 with glutamic acid.
Molecular consequence: missense variant, initiator codon variant.
Genome position (GRCh38, 1-based): chr15:32,804,330, T>C on the plus strand (A>G on the coding strand, the complement: FMN1 is on the minus strand). VCF-style: chr15-32804330-T-C. GRCh37 (hg19) VCF-style: chr15-33096531-T-C.
Other names: c.3262A>G, p.Lys1088Glu (NM_001103184.4); c.3262A>G (NM_001103184.3); short protein forms K1311E, K1088E.
Identifiers: ClinVar variation 2055527 (VCV002055527.6), dbSNP rs141073903, ClinGen allele CA7456327.